The following is an entry in ClinVar:

ClinVar aggregate classification (germline): Uncertain significance (1 of 4 stars; one submission).

Conditions:
Hereditary cancer-predisposing syndrome. Also called: Hereditary neoplastic syndrome; Neoplastic Syndromes, Hereditary; Tumor predisposition; Hereditary Cancer Syndrome. Identifiers: Orphanet 140162, MedGen C0027672, MeSH D009386, MONDO:0015356.

Submission:

Ambry Genetics
Classification: Uncertain significance for Hereditary cancer-predisposing syndrome. Last evaluated: 2021-02-17. Review status: criteria provided, single submitter. Criteria: Ambry Variant Classification Scheme 2023. Collection method: clinical testing. Allele origin: germline.
Comment: The p.L2188V variant (also known as c.6562C>G), located in coding exon 44 of the ATM gene, results from a C to G substitution at nucleotide position 6562. The leucine at codon 2188 is replaced by valine, an amino acid with highly similar properties. This amino acid position is well conserved in available vertebrate species. In addition, the in silico prediction for this alteration is inconclusive. Since supporting evidence is limited at this time, the clinical significance of this alteration remains unclear.

NM_000051.4(ATM):c.6562C>G (p.Leu2188Val)

Genes: ATM (ATM serine/threonine kinase; plus strand), C11orf65 (chromosome 11 open reading frame 65; minus strand). Cytogenetic location: 11q22.3.
Variant type: single nucleotide variant.
Coding change: c.6562C>G on transcript NM_000051.4 (MANE Select); coding-DNA position 6562, C replaced by G.
Protein change: p.Leu2188Val; replaces leucine 2188 with valine.
Molecular consequence: missense variant. On other transcripts: intron variant (2).
Genome position (GRCh38, 1-based): chr11:108,321,410, C>G. VCF-style: chr11-108321410-C-G. GRCh37 (hg19) VCF-style: chr11-108192137-C-G.
Other names: c.6562C>G, p.Leu2188Val (NM_001351834.2); c.641-12339G>C (NM_001330368.2); c.*39-12339G>C (NM_001351110.2); short protein forms L2188V.
Identifiers: ClinVar variation 1754211 (VCV001754211.2), dbSNP rs1060501682, ClinGen allele CA382554401.